The following is an entry in ClinVar:

NM_001271.4(CHD2):c.1217C>T (p.Ala406Val)

Gene: CHD2 (chromodomain helicase DNA binding protein 2; plus strand). Cytogenetic location: 15q26.1.
Variant type: single nucleotide variant.
Coding change: c.1217C>T on transcript NM_001271.4 (MANE Select); coding-DNA position 1217, C replaced by T.
Protein change: p.Ala406Val; replaces alanine 406 with valine.
Molecular consequence: missense variant.
Genome position (GRCh38, 1-based): chr15:92,946,056, C>T. VCF-style: chr15-92946056-C-T. GRCh37 (hg19) VCF-style: chr15-93489286-C-T.
Other names: c.1217C>T, p.Ala406Val (NM_001042572.3); short protein forms A406V.
Identifiers: ClinVar variation 4808745 (VCV004808745.1).
Genomic context (GRCh38, chr15:92,946,056, plus strand): 5'-ATTGACAGTTGCTAATCTATAAATTTTTTTTATATGAAATAGCTCATAGTCGGAAGCCGG[C>T]ACCCTCAAATGAGCCCGAATATCTATGTAAATGGATGGGACTCCCCTATTCAGAGTGTAG-3'
Protein context (NP_001262.3, residues 396-416): TDFPAHSRKP[Ala406Val]PSNEPEYLCK

ClinVar aggregate classification (germline): Uncertain significance (1 of 4 stars; one submission).

Conditions:
Developmental and epileptic encephalopathy 94 (DEE94). Also called: CHD2-Related Neurodevelopmental Disorders; Epileptic encephalopathy, childhood-onset. Identifiers: Orphanet 1942, Orphanet 2382, MedGen C3809278, MONDO:0014150, OMIM 615369.

gnomAD v4.1: 2 of 1,586,182 alleles (0.00013%); highest among the groups gnomAD compares: South Asian, 0.0012%; no homozygotes.

Submission:

Labcorp Genetics (formerly Invitae), Labcorp
Classification: Uncertain significance for Developmental and epileptic encephalopathy 94. Last evaluated: 2025-10-02. Review status: criteria provided, single submitter. Criteria: Invitae Variant Classification Sherloc (09022015). Collection method: clinical testing. Allele origin: germline.
Comment: This sequence change replaces alanine, which is neutral and non-polar, with valine, which is neutral and non-polar, at codon 406 of the CHD2 protein (p.Ala406Val). This variant is present in population databases (rs751197627, gnomAD 0.0009%). This variant has not been reported in the literature in individuals affected with CHD2-related conditions. Invitae Evidence Modeling of protein sequence and biophysical properties (such as structural, functional, and spatial information, amino acid conservation, physicochemical variation, residue mobility, and thermodynamic stability) indicates that this missense variant is not expected to disrupt CHD2 protein function with a negative predictive value of 95%. In summary, the available evidence is currently insufficient to determine the role of this variant in disease. Therefore, it has been classified as a Variant of Uncertain Significance.